The following is an entry in ClinVar:

NM_016474.5(CCDC174):c.1183G>C (p.Asp395His)

Gene: CCDC174 (coiled-coil domain containing 174; plus strand). Cytogenetic location: 3p25.1.
Variant type: single nucleotide variant.
Coding change: c.1183G>C on transcript NM_016474.5 (MANE Select); coding-DNA position 1183, G replaced by C.
Protein change: p.Asp395His; replaces aspartic acid 395 with histidine.
Molecular consequence: missense variant. On other transcripts: non-coding transcript variant (1).
Genome position (GRCh38, 1-based): chr3:14,670,973, G>C. VCF-style: chr3-14670973-G-C. GRCh37 (hg19) VCF-style: chr3-14712480-G-C.
Other names: short protein forms D395H.
Identifiers: ClinVar variation 1029604 (VCV001029604.2), dbSNP rs367970098, ClinGen allele CA2270314.
Genomic context (GRCh38, chr3:14,670,973, plus strand): 5'-TGGTCGAAGAGGCAGTCAGATCTCCGGGCTGAGAGAGATCCTGAGTTTGCCCCGCCGTCA[G>C]ATTACTTTGTGGGTCAGAAGAGAACTGGTTTTTCCAGCAGCCAGGCATGGAGCAGACCTG-3'
Protein context (NP_057558.3, residues 385-405): ERDPEFAPPS[Asp395His]YFVGQKRTGF

ClinVar aggregate classification (germline): Uncertain significance. Review status: criteria provided, multiple submitters, no conflicts (2 of 4 stars). 2 submissions from 2 submitters: Uncertain significance (2). Last evaluated 2025-08-21.

Conditions:
Severe hypotonia-psychomotor developmental delay-strabismus-cardiac septal defect syndrome. Also called: Hypotonia, infantile, with psychomotor retardation. Identifiers: Orphanet 467176, MedGen C4225196, MONDO:0014784, OMIM 616816.

Allele frequency attached by ClinVar (database versions not stated): gnomAD 0.00003; TOPMed 0.00003; gnomAD exomes 0.00004; ESP Exome Variant Server 0.00008.

Submissions (2):

Ambry Genetics
Classification: Uncertain significance. Last evaluated: 2025-08-21. Review status: criteria provided, single submitter. Criteria: Ambry Variant Classification Scheme 2023. Collection method: clinical testing. Allele origin: germline.

Baylor Genetics
Classification: Uncertain significance for Severe hypotonia-psychomotor developmental delay-strabismus-cardiac septal defect syndrome. Last evaluated: 2019-02-21. Review status: criteria provided, single submitter. Criteria: ACMG Guidelines, 2015. Collection method: clinical testing. Allele origin: paternal. Affected: yes.
Comment: This variant was determined to be of uncertain significance according to ACMG Guidelines, 2015 [PMID:25741868].